The following is an entry in ClinVar:

ClinVar aggregate classification (germline): Conflicting classifications of pathogenicity. Review status: criteria provided, conflicting classifications (1 of 4 stars). 2 submissions from 2 submitters: Likely pathogenic (1); Uncertain significance (1). Last evaluated 2024-05-28.

Conditions:
Inborn genetic diseases. Identifiers: MedGen C0950123, MeSH D030342.

Submissions (2):

ARUP Laboratories, Molecular Genetics and Genomics, ARUP Laboratories
Classification: Likely pathogenic. Last evaluated: 2024-05-28. Review status: criteria provided, single submitter. Criteria: ARUP Molecular Germline Variant Investigation Process 2024. Collection method: clinical testing. Allele origin: germline.
Comment: The SCN8A c.2627G>A; p.Gly876Asp variant (ClinVar Variation ID 1794012) is reported in the literature in 2 individuals affected with epileptic encephalopathy (Peng 2022, Yang 2022). This variant is absent from the Genome Aggregation Database (v2.1.1), indicating it is not a common polymorphism. Computational analyses predict that this variant is deleterious (REVEL: 0.961). Based on available information, this variant is considered to be likely pathogenic. References: Peng BW et al. Genotype-phenotype correlations in SCN8A-related epilepsy: a cohort study of Chinese children in southern China. Brain. 2022 May 24. PMID: 35230384. Yang L et al. Use of medical exome sequencing for identification of underlying genetic defects in NICU: Experience in a cohort of 2303 neonates in China. Clin Genet. 2022 Jan. PMID: 34671977.

Ambry Genetics
Classification: Uncertain significance for Inborn genetic diseases. Last evaluated: 2019-03-08. Review status: criteria provided, single submitter. Criteria: Ambry Variant Classification Scheme 2023. Collection method: clinical testing. Allele origin: germline.
Comment: The p.G876D variant (also known as c.2627G>A), located in coding exon 15 of the SCN8A gene, results from a G to A substitution at nucleotide position 2627. The glycine at codon 876 is replaced by aspartic acid, an amino acid with similar properties. This amino acid position is highly conserved in available vertebrate species. In addition, this alteration is predicted to be deleterious by in silico analysis. Since supporting evidence is limited at this time, the clinical significance of this alteration remains unclear.

NM_001330260.2(SCN8A):c.2627G>A (p.Gly876Asp)

Gene: SCN8A (sodium voltage-gated channel alpha subunit 8; plus strand). Cytogenetic location: 12q13.13.
Variant type: single nucleotide variant.
Coding change: c.2627G>A on transcript NM_001330260.2 (MANE Select); coding-DNA position 2627, G replaced by A.
Protein change: p.Gly876Asp; replaces glycine 876 with aspartic acid.
Molecular consequence: missense variant.
Genome position (GRCh38, 1-based): chr12:51,765,753, G>A. VCF-style: chr12-51765753-G-A. GRCh37 (hg19) VCF-style: chr12-52159537-G-A.
Other names: c.2627G>A, p.Gly876Asp (NM_001177984.3, NM_001369788.1, NM_014191.4); short protein forms G876D.
Identifiers: ClinVar variation 1794012 (VCV001794012.3), dbSNP rs1060501010, ClinGen allele CA384887287.